The following is an entry in ClinVar:

NM_005570.4(LMAN1):c.*490C>T

Gene: LMAN1 (lectin, mannose binding 1; minus strand). Cytogenetic location: 18q21.32.
Variant type: single nucleotide variant.
Coding change: c.*490C>T on transcript NM_005570.4 (MANE Select); 490 bases downstream of the stop codon, C replaced by T.
Molecular consequence: 3 prime UTR variant.
Genome position (GRCh38, 1-based): chr18:59,330,603, G>A on the plus strand (C>T on the coding strand, the complement: LMAN1 is on the minus strand). VCF-style: chr18-59330603-G-A. GRCh37 (hg19) VCF-style: chr18-56997835-G-A.
Identifiers: ClinVar variation 327563 (VCV000327563.5), dbSNP rs117480907, ClinGen allele CA10651206.

ClinVar aggregate classification (germline): Benign (1 of 4 stars; one submission).

Conditions:
Factor V and factor VIII, combined deficiency of, type 1. Also called: Combined factor V and VIII deficiency; FAMILIAL MULTIPLE COAGULATION FACTOR DEFICIENCY I; MULTIPLE COAGULATION FACTOR DEFICIENCY I; FMFD I. Identifiers: Orphanet 35909, MedGen C4551981, MONDO:0009206, OMIM 227300.

Allele frequency attached by ClinVar (database versions not stated): TOPMed 0.00447; 1000 Genomes Project 30x 0.02046; gnomAD 0.00265 and 0.00413; 1000 Genomes Project 0.02137.

Submission:

Illumina Laboratory Services, Illumina
Classification: Benign for Factor V and factor VIII, combined deficiency of, type 1. Last evaluated: 2018-01-13. Review status: criteria provided, single submitter. Criteria: ICSL Variant Classification Criteria 13 December 2019. Collection method: clinical testing. Allele origin: germline.
Comment: This variant was observed in the ICSL laboratory as part of a predisposition screen in an ostensibly healthy population. It had not been previously curated by ICSL or reported in the Human Gene Mutation Database (HGMD: prior to June 1st, 2018), and was therefore a candidate for classification through an automated scoring system. Utilizing variant allele frequency, disease prevalence and penetrance estimates, and inheritance mode, an automated score was calculated to assess if this variant is too frequent to cause the disease. Based on the score and internal cut-off values, a variant classified as benign is not then subjected to further curation. The score for this variant resulted in a classification of benign for this disease.